The following is an entry in ClinVar:

ClinVar aggregate classification (germline): Likely benign (0 of 4 stars; one submission).

Conditions:
DSCAM-related disorder. Also called: DSCAM-related condition.

Allele frequency attached by ClinVar (database versions not stated): gnomAD 0.00001; ExAC 0.00002; TOPMed 0.00002.
gnomAD v4.1: 14 of 1,612,850 alleles (0.00087%); highest among the groups gnomAD compares: African/African-American, 0.0027%; no homozygotes.

Submission:

PreventionGenetics, part of Exact Sciences
Classification: Likely benign for DSCAM-related condition. Last evaluated: 2023-04-25. Review status: no assertion criteria provided. Collection method: clinical testing. Allele origin: germline.
Comment: This variant is classified as likely benign based on ACMG/AMP sequence variant interpretation guidelines (Richards et al. 2015 PMID: 25741868, with internal and published modifications).

NM_001389.5(DSCAM):c.186G>A (p.Thr62=)

Gene: DSCAM (DS cell adhesion molecule; minus strand). Cytogenetic location: 21q22.2.
Variant type: single nucleotide variant.
Coding change: c.186G>A on transcript NM_001389.5 (MANE Select); coding-DNA position 186, G replaced by A.
Protein change: p.Thr62=; no amino-acid change (threonine 62 retained).
Molecular consequence: synonymous variant. On other transcripts: non-coding transcript variant (1).
Genome position (GRCh38, 1-based): chr21:40,708,629, C>T on the plus strand (G>A on the coding strand, the complement: DSCAM is on the minus strand). VCF-style: chr21-40708629-C-T. GRCh37 (hg19) VCF-style: chr21-42080555-C-T.
Other names: c.186G>A, p.Thr62= (NM_001271534.3, NM_206887.1).
Identifiers: ClinVar variation 3057009 (VCV003057009.2), dbSNP rs754899814, ClinGen allele CA10031810.